The following is an entry in ClinVar:

ClinVar aggregate classification (germline): Uncertain significance (1 of 4 stars; one submission).

Conditions:
Malan overgrowth syndrome (MALNS). Also called: NFIX-Related Malan Syndrome; Sotos syndrome 2; MALAN SYNDROME. Identifiers: Orphanet 420179, MedGen C3553660, MONDO:0013885, OMIM 614753.
Marshall-Smith syndrome (MRSHSS). Identifiers: Orphanet 561, MedGen C0265211, MONDO:0011244, OMIM 602535.

Submission:

Labcorp Genetics (formerly Invitae), Labcorp
Classification: Uncertain significance for Malan overgrowth syndrome; Marshall-Smith syndrome. Last evaluated: 2020-02-27. Review status: criteria provided, single submitter. Criteria: Invitae Variant Classification Sherloc (09022015). Collection method: clinical testing. Allele origin: germline.
Comment: This sequence change replaces tryptophan with arginine at codon 135 of the NFIX protein (p.Trp135Arg). The tryptophan residue is highly conserved and there is a moderate physicochemical difference between tryptophan and arginine. This variant is not present in population databases (ExAC no frequency). This variant has not been reported in the literature in individuals with NFIX-related conditions. Algorithms developed to predict the effect of missense changes on protein structure and function are either unavailable or do not agree on the potential impact of this missense change (SIFT: "Deleterious"; PolyPhen-2: "Not Available"; Align-GVGD: "Class C0"). In summary, the available evidence is currently insufficient to determine the role of this variant in disease. Therefore, it has been classified as a Variant of Uncertain Significance.

NM_001365902.3(NFIX):c.379T>C (p.Trp127Arg)

Gene: NFIX (nuclear factor I X; plus strand). Cytogenetic location: 19p13.13.
Variant type: single nucleotide variant.
Coding change: c.379T>C on transcript NM_001365902.3 (MANE Select); coding-DNA position 379, T replaced by C.
Protein change: p.Trp127Arg; replaces tryptophan 127 with arginine.
Molecular consequence: missense variant.
Genome position (GRCh38, 1-based): chr19:13,025,372, T>C. VCF-style: chr19-13025372-T-C. GRCh37 (hg19) VCF-style: chr19-13136186-T-C.
Other names: c.403T>C, p.Trp135Arg (NM_001271043.2); c.355T>C, p.Trp119Arg (NM_001271044.3, NM_001378404.1); c.379T>C, p.Trp127Arg (NM_001365982.2, NM_002501.4); c.238T>C, p.Trp80Arg (NM_001365983.2); c.376T>C, p.Trp126Arg (NM_001365984.2, NM_001365985.2); c.427T>C, p.Trp143Arg (NM_001378405.1); short protein forms W119R, W126R, W127R, W135R, W143R, W80R.
Identifiers: ClinVar variation 1008488 (VCV001008488.9), dbSNP rs2013253145, ClinGen allele CA404314697.